The following is an entry in ClinVar:

ClinVar aggregate classification (germline): Uncertain significance. Review status: criteria provided, multiple submitters, no conflicts (2 of 4 stars). 2 submissions from 2 submitters: Uncertain significance (2). Last evaluated 2026-01-13.

Conditions:
Joubert syndrome. Also called: CEREBELLOPARENCHYMAL DISORDER IV; JOUBERT-BOLTSHAUSER SYNDROME; Familial aplasia of the vermis. Identifiers: Orphanet 475, MedGen C5979921, MONDO:0018772.
Orofaciodigital syndrome I (OFD1). Also called: OFDS I; Papillon-Leage and Psaume Syndrome; Oral-Facial-Digital Syndrome Type I. Identifiers: Orphanet 2750, MedGen C1510460, MONDO:0010702, OMIM 311200.

gnomAD v4.1: 2 of 1,200,225 alleles (0.00017%); highest among the groups gnomAD compares: East Asian, 0.003%; no homozygotes.

Submissions (2):

Labcorp Genetics (formerly Invitae), Labcorp
Classification: Uncertain significance for Orofaciodigital syndrome I; Joubert syndrome. Last evaluated: 2026-01-13. Review status: criteria provided, single submitter. Criteria: Invitae Variant Classification Sherloc (09022015). Collection method: clinical testing. Allele origin: germline.
Comment: This sequence change replaces glutamic acid, which is acidic and polar, with glutamine, which is neutral and polar, at codon 998 of the OFD1 protein (p.Glu998Gln). This variant is not present in population databases (gnomAD no frequency). This variant has not been reported in the literature in individuals affected with OFD1-related conditions. ClinVar contains an entry for this variant (Variation ID: 2119043). Invitae Evidence Modeling of protein sequence and biophysical properties (such as structural, functional, and spatial information, amino acid conservation, physicochemical variation, residue mobility, and thermodynamic stability) has been performed for this missense variant. However, the output from this modeling did not meet the statistical confidence thresholds required to predict the impact of this variant on OFD1 protein function. In summary, the available evidence is currently insufficient to determine the role of this variant in disease. Therefore, it has been classified as a Variant of Uncertain Significance.

Mayo Clinic Laboratories, Mayo Clinic
Classification: Uncertain significance. Last evaluated: 2024-09-24. Review status: criteria provided, single submitter. Criteria: ACMG Guidelines, 2015. Collection method: clinical testing. Allele origin: germline. Observed: 1 variant allele.
Comment: PM2

NM_003611.3(OFD1):c.2992G>C (p.Glu998Gln)

Gene: OFD1 (OFD1 centriole and centriolar satellite protein; plus strand). Cytogenetic location: Xp22.2.
Variant type: single nucleotide variant.
Coding change: c.2992G>C on transcript NM_003611.3 (MANE Select); coding-DNA position 2992, G replaced by C.
Protein change: p.Glu998Gln; replaces glutamic acid 998 with glutamine.
Molecular consequence: missense variant.
Genome position (GRCh38, 1-based): chrX:13,768,781, G>C. VCF-style: chrX-13768781-G-C. GRCh37 (hg19) VCF-style: chrX-13786900-G-C.
Other names: p.Glu998Gln; c.2872G>C, p.Glu958Gln (NM_001330209.2); c.2572G>C, p.Glu858Gln (NM_001330210.2); short protein forms E958Q, E998Q, E858Q.
Identifiers: ClinVar variation 2119043 (VCV002119043.5), dbSNP rs772233258, ClinGen allele CA412315054.